The following is an entry in ClinVar:

NM_004204.5(PIGQ):c.833C>T (p.Thr278Met)

Gene: PIGQ (phosphatidylinositol glycan anchor biosynthesis class Q; plus strand). Cytogenetic location: 16p13.3.
Variant type: single nucleotide variant.
Coding change: c.833C>T on transcript NM_004204.5 (MANE Select); coding-DNA position 833, C replaced by T.
Protein change: p.Thr278Met; replaces threonine 278 with methionine.
Molecular consequence: missense variant.
Genome position (GRCh38, 1-based): chr16:576,145, C>T. VCF-style: chr16-576145-C-T. GRCh37 (hg19) VCF-style: chr16-626145-C-T.
Other names: c.833C>T, p.Thr278Met (NM_148920.4); c.833C>T (NM_148920.1); short protein forms T278M.
Identifiers: ClinVar variation 1525458 (VCV001525458.5), dbSNP rs370004325, ClinGen allele CA7780008.

ClinVar aggregate classification (germline): Conflicting classifications of pathogenicity. Review status: criteria provided, conflicting classifications (1 of 4 stars). 3 submissions from 3 submitters: Uncertain significance (2); Likely benign (1). Last evaluated 2025-05-20.

Conditions:
Epilepsy. Also called: Seizure disorder. Identifiers: MedGen C0014544, MeSH D004827, MONDO:0005027.
Inborn genetic diseases. Identifiers: MedGen C0950123, MeSH D030342.

Allele frequency attached by ClinVar (database versions not stated): gnomAD exomes 0.00002 and 0.00008; ESP Exome Variant Server 0.00016; gnomAD 0.00016; TOPMed 0.00019; 1000 Genomes Project 0.00020; ExAC 0.00021; 1000 Genomes Project 30x 0.00031.

Submissions (3):

Ambry Genetics
Classification: Likely benign for Inborn genetic diseases. Last evaluated: 2025-05-20. Review status: criteria provided, single submitter. Criteria: Ambry Variant Classification Scheme 2023. Collection method: clinical testing. Allele origin: germline.

Labcorp Genetics (formerly Invitae), Labcorp
Classification: Uncertain significance for Epilepsy. Last evaluated: 2022-09-12. Review status: criteria provided, single submitter. Criteria: Invitae Variant Classification Sherloc (09022015). Collection method: clinical testing. Allele origin: germline.
Comment: This sequence change replaces threonine, which is neutral and polar, with methionine, which is neutral and non-polar, at codon 278 of the PIGQ protein (p.Thr278Met). This variant is present in population databases (rs370004325, gnomAD 0.09%). This variant has not been reported in the literature in individuals affected with PIGQ-related conditions. ClinVar contains an entry for this variant (Variation ID: 1525458). Algorithms developed to predict the effect of missense changes on protein structure and function output the following: SIFT: "Tolerated"; PolyPhen-2: "Benign"; Align-GVGD: "Class C0". The methionine amino acid residue is found in multiple mammalian species, which suggests that this missense change does not adversely affect protein function. In summary, the available evidence is currently insufficient to determine the role of this variant in disease. Therefore, it has been classified as a Variant of Uncertain Significance.

Breakthrough Genomics
Classification: Uncertain significance. Review status: criteria provided, single submitter. Criteria: ACMG Guidelines, 2015. Collection method: not provided. Allele origin: germline. Inheritance: Autosomal recessive inheritance. Affected: yes.